The following is an entry in ClinVar:

ClinVar aggregate classification (germline): Uncertain significance (1 of 4 stars; one submission).

Conditions:
Heterotopia, periventricular, X-linked dominant (PVNH1). Also called: PERIVENTRICULAR NODULAR HETEROTOPIA 1; X-linked periventricular heterotopia; PERIVENTRICULAR NODULAR HETEROTOPIA 4; HETEROTOPIA, PERIVENTRICULAR, 1. Identifiers: Orphanet 2149, Orphanet 82004, MedGen C1848213, MONDO:0010233, OMIM 300049.
Melnick-Needles syndrome (MNS). Also called: MELNICK-NEEDLES OSTEODYSPLASTY; OSTEODYSPLASTY OF MELNICK AND NEEDLES; Melnick-Needles Syndrome (FLNA-MNS). Identifiers: Orphanet 2484, MedGen C0025237, MONDO:0010650, OMIM 309350.
Frontometaphyseal dysplasia (FMD1). Identifiers: Orphanet 1826, MedGen C0265293, MONDO:0015942.
Oto-palato-digital syndrome, type II (OPD2). Also called: FACIOPALATOOSSEOUS SYNDROME; OPD II SYNDROME; Otopalatodigital Syndrome Type 2 (FLNA-OPD2); Otopalatodigital Syndrome, Type II. Identifiers: Orphanet 669, Orphanet 90652, MedGen C1844696, MONDO:0010571, OMIM 304120.

Submission:

Labcorp Genetics (formerly Invitae), Labcorp
Classification: Uncertain significance for Oto-palato-digital syndrome, type II; Heterotopia, periventricular, X-linked dominant; Frontometaphyseal dysplasia; Melnick-Needles syndrome. Last evaluated: 2025-10-24. Review status: criteria provided, single submitter. Criteria: Invitae Variant Classification Sherloc (09022015). Collection method: clinical testing. Allele origin: germline.
Comment: This sequence change replaces valine, which is neutral and non-polar, with alanine, which is neutral and non-polar, at codon 1716 of the FLNA protein (p.Val1716Ala). This variant is not present in population databases (gnomAD no frequency). This variant has not been reported in the literature in individuals affected with FLNA-related conditions. Invitae Evidence Modeling of protein sequence and biophysical properties (such as structural, functional, and spatial information, amino acid conservation, physicochemical variation, residue mobility, and thermodynamic stability) indicates that this missense variant is not expected to disrupt FLNA protein function with a negative predictive value of 95%. In summary, the available evidence is currently insufficient to determine the role of this variant in disease. Therefore, it has been classified as a Variant of Uncertain Significance.

NM_001110556.2(FLNA):c.5171T>C (p.Val1724Ala)

Gene: FLNA (filamin A; minus strand). Cytogenetic location: Xq28.
Variant type: single nucleotide variant.
Coding change: c.5171T>C on transcript NM_001110556.2 (MANE Select); coding-DNA position 5171, T replaced by C.
Protein change: p.Val1724Ala; replaces valine 1724 with alanine.
Molecular consequence: missense variant.
Genome position (GRCh38, 1-based): chrX:154,354,871, A>G on the plus strand (T>C on the coding strand, the complement: FLNA is on the minus strand). VCF-style: chrX-154354871-A-G. GRCh37 (hg19) VCF-style: chrX-153583239-A-G.
Other names: c.5147T>C, p.Val1716Ala (NM_001456.4); short protein forms V1716A, V1724A.
Identifiers: ClinVar variation 4794330 (VCV004794330.1).